The following is an entry in ClinVar:

ClinVar aggregate classification (germline): Benign. Review status: criteria provided, multiple submitters, no conflicts (2 of 4 stars). 4 submissions from 4 submitters: Benign (4). Last evaluated 2021-07-30.

Conditions:
Congenital myasthenic syndrome 5. Identifiers: Orphanet 590, MedGen C1864233, MONDO:0011281, OMIM 603034.

Allele frequency attached by ClinVar (database versions not stated): ExAC 0.45599; ESP Exome Variant Server 0.38096; gnomAD 0.38489 and 0.38369; 1000 Genomes Project 0.40236; 1000 Genomes Project 30x 0.40178; TOPMed 0.38756.
gnomAD v4.1: 633,458 of 1,585,112 alleles (40%); highest among the groups gnomAD compares: East Asian, 50%; 127,762 homozygotes.

Submissions (4):

Genome-Nilou Lab
Classification: Benign for Congenital myasthenic syndrome 5. Last evaluated: 2021-07-30. Review status: criteria provided, single submitter. Criteria: ACMG Guidelines, 2015. Collection method: clinical testing. Allele origin: germline. Affected: no.

GeneDx
Classification: Benign. Last evaluated: 2018-06-19. Review status: criteria provided, single submitter. Criteria: GeneDx Variant Classification (06012015). Collection method: clinical testing. Allele origin: germline. Affected: yes.
Comment: This variant is considered likely benign or benign based on one or more of the following criteria: it is a conservative change, it occurs at a poorly conserved position in the protein, it is predicted to be benign by multiple in silico algorithms, and/or has population frequency not consistent with disease.

Breakthrough Genomics
Classification: Benign. Review status: criteria provided, single submitter. Criteria: ACMG Guidelines, 2015. Collection method: not provided. Allele origin: germline. Inheritance: Autosomal recessive inheritance. Affected: yes.

PreventionGenetics, part of Exact Sciences
Classification: Benign. Review status: criteria provided, single submitter. Criteria: ACMG Guidelines, 2015. Collection method: clinical testing. Allele origin: germline.

NM_005677.4(COLQ):c.394-27C>G

Gene: COLQ (collagen like tail subunit of asymmetric acetylcholinesterase; minus strand). Cytogenetic location: 3p25.1.
Variant type: single nucleotide variant.
Coding change: c.394-27C>G on transcript NM_005677.4 (MANE Select); 27 bases into the intron before coding-DNA position 394, C replaced by G.
Molecular consequence: intron variant.
Genome position (GRCh38, 1-based): chr3:15,477,224, G>C on the plus strand (C>G on the coding strand, the complement: COLQ is on the minus strand). VCF-style: chr3-15477224-G-C. GRCh37 (hg19) VCF-style: chr3-15518731-G-C.
Other names: c.292-27C>G (NM_080539.4); c.364-27C>G (NM_080538.2).
Identifiers: ClinVar variation 259857 (VCV000259857.6), dbSNP rs2305612, ClinGen allele CA2276177.